The following is an entry in ClinVar:

NM_000287.4(PEX6):c.115G>A (p.Ala39Thr)

Gene: PEX6 (peroxisomal biogenesis factor 6; minus strand). Cytogenetic location: 6p21.1.
Variant type: single nucleotide variant.
Coding change: c.115G>A on transcript NM_000287.4 (MANE Select); coding-DNA position 115, G replaced by A.
Protein change: p.Ala39Thr; replaces alanine 39 with threonine.
Molecular consequence: missense variant. On other transcripts: non-coding transcript variant (1).
Genome position (GRCh38, 1-based): chr6:42,979,036, C>T on the plus strand (G>A on the coding strand, the complement: PEX6 is on the minus strand). VCF-style: chr6-42979036-C-T. GRCh37 (hg19) VCF-style: chr6-42946774-C-T.
Other names: c.115G>A, p.Ala39Thr (NM_001316313.2); short protein forms A39T.
Identifiers: ClinVar variation 2119705 (VCV002119705.4), dbSNP rs1415433486, ClinGen allele CA364169034.

ClinVar aggregate classification (germline): Uncertain significance (1 of 4 stars; one submission).

Conditions:
Peroxisome biogenesis disorder. Identifiers: Orphanet 79189, MedGen C1832200, MONDO:0019234. Disease mechanism: loss of function.

gnomAD v4.1: 1 of 1,532,694 alleles (0.000065%); highest among the groups gnomAD compares: African/African-American, 0.0014%; no homozygotes.

Submission:

Labcorp Genetics (formerly Invitae), Labcorp
Classification: Uncertain significance for Peroxisome biogenesis disorder. Last evaluated: 2022-02-28. Review status: criteria provided, single submitter. Criteria: Invitae Variant Classification Sherloc (09022015). Collection method: clinical testing. Allele origin: germline.
Comment: This sequence change replaces alanine, which is neutral and non-polar, with threonine, which is neutral and polar, at codon 39 of the PEX6 protein (p.Ala39Thr). This variant is not present in population databases (gnomAD no frequency). This variant has not been reported in the literature in individuals affected with PEX6-related conditions. Algorithms developed to predict the effect of missense changes on protein structure and function are either unavailable or do not agree on the potential impact of this missense change (SIFT: "Tolerated"; PolyPhen-2: "Probably Damaging"; Align-GVGD: "Class C0"). In summary, the available evidence is currently insufficient to determine the role of this variant in disease. Therefore, it has been classified as a Variant of Uncertain Significance.